The following is an entry in ClinVar:

NM_000179.3(MSH6):c.2392_2394del (p.Leu798del)

Gene: MSH6 (mutS homolog 6; plus strand). Cytogenetic location: 2p16.3.
Variant type: Deletion.
Coding change: c.2392_2394del on transcript NM_000179.3 (MANE Select); coding-DNA positions 2392 to 2394, 3 bases deleted (CTC; older notation c.2392_2394delCTC).
Protein change: p.Leu798del; deletes leucine 798.
Molecular consequence: inframe deletion. On other transcripts: inframe indel (33).
Genome position (GRCh38, 1-based): chr2:47,800,375-47,800,377, CTC deleted; deleting any 3 consecutive bases within chr2:47,800,374-47,800,377 gives the same sequence; the c. name uses the placement nearest the transcript's 3' end. VCF-style (leftmost placement, unchanged base first): chr2-47800373-ACCT-A. GRCh37 (hg19) VCF-style: chr2-48027512-ACCT-A.
Other names: c.2398_2400delCTC, p.Leu800del (NM_001406813.1); c.1486_1488delCTC, p.Leu496del (NM_001406814.1, NM_001406815.1, NM_001406816.1 and 4 more transcripts); c.2095_2097delCTC, p.Leu699del (NM_001406818.1, NM_001406819.1, NM_001406820.1 and 10 more transcripts); c.2224_2226delCTC, p.Leu742del (NM_001406826.1); c.2002_2004del, p.Leu668del (NM_001281492.2); c.1486_1488del, p.Leu496del (NM_001281493.2, NM_001281494.2); c.2488_2490delCTC, p.Leu830del (NM_001406795.1, NM_001406802.1); c.2392_2394delCTC, p.Leu798del (NM_001406796.1, NM_001406798.1, NM_001406800.1 and 2 more transcripts); and 2 more; short protein forms L496del, L623del, L772del, L668del, L742del, L830del, L699del, L798del.
Identifiers: ClinVar variation 1790571 (VCV001790571.2), dbSNP rs2530669253, ClinGen allele CA2580067843.
Genomic context (GRCh38, chr2:47,800,373, plus strand): 5'-GGCTTTGTGCCCCACTCTGTAACCATTATGCTATTAATGATCGTCTAGATGCCATAGAAG[ACCT>A]CATGGTTGTGCCTGACAAAATCTCCGAAGTTGTAGAGCTTCTAAAGAAGCTTCCAGATCT-3'

ClinVar aggregate classification (germline): Likely pathogenic (1 of 4 stars; one submission).

Conditions:
Hereditary cancer-predisposing syndrome. Also called: Hereditary Cancer Syndrome; Hereditary neoplastic syndrome; Tumor predisposition; Neoplastic Syndromes, Hereditary. Identifiers: Orphanet 140162, MedGen C0027672, MeSH D009386, MONDO:0015356.

Submission:

Ambry Genetics
Classification: Likely pathogenic for Hereditary cancer-predisposing syndrome. Last evaluated: 2021-12-09. Review status: criteria provided, single submitter. Criteria: Ambry Variant Classification Scheme 2023. Collection method: clinical testing. Allele origin: germline.
Comment: The c.2392_2394delCTC variant (also known as p.L798del) is located in coding exon 4 of the MSH6 gene. This variant results from an in-frame CTC deletion at nucleotide positions 2392 to 2394. This results in the in-frame deletion of a leucine at codon 798. This variant has been identified in a proband(s) whose Lynch syndrome-associated tumor demonstrated loss of MSH6 expression by immunohistochemistry (Ambry internal data). This variant is considered to be rare based on population cohorts in the Genome Aggregation Database (gnomAD). In addition, this alteration is predicted to be deleterious by structural and in silico analysis ((Nirwal S et al. Nucleic Acids Res, 2018 01;46:256-266; Choi Y et al. PLoS ONE. 2012; 7(10):e46688). Based on the majority of available evidence to date, this variant is likely to be pathogenic.

Literature cited by the submitters: PubMed 29182773.